The following is an entry in ClinVar:

NM_001040283.3(DMRTC2):c.1083G>A (p.Gly361=)

Gene: DMRTC2 (DMRT like family C2; plus strand). Cytogenetic location: 19q13.2.
Variant type: single nucleotide variant.
Coding change: c.1083G>A on transcript NM_001040283.3 (MANE Select); coding-DNA position 1083, G replaced by A.
Protein change: p.Gly361=; no amino-acid change (glycine 361 retained).
Molecular consequence: synonymous variant.
Genome position (GRCh38, 1-based): chr19:41,851,675, G>A. VCF-style: chr19-41851675-G-A. GRCh37 (hg19) VCF-style: chr19-42355743-G-A.
Identifiers: ClinVar variation 2649928 (VCV002649928.24), dbSNP rs185994620, ClinGen allele CA9465217.
Genomic context (GRCh38, chr19:41,851,675, plus strand): 5'-TGGCCCCTGTCTTCGACCCAGCCCAGCCCCCTCTGTTGCTCTGCATATTGGCCGTCTGGG[G>A]TCCATCTCCCTCCTGAGCTAGAAACCCAGAGATGGAGGCTGTCTTGCTATGGCAGGGAGG-3'
Protein context (NP_001035373.1, residues 351-367): PSVALHIGRL[Gly361=]SISLLS

ClinVar aggregate classification (germline): Likely benign (1 of 4 stars; one submission).

Allele frequency attached by ClinVar (database versions not stated): TOPMed 0.00011; ExAC 0.00040; 1000 Genomes Project 30x 0.00094; 1000 Genomes Project 0.00120; ESP Exome Variant Server 0.00015; gnomAD 0.00029; gnomAD exomes 0.00038.
gnomAD v4.1: 604 of 1,614,114 alleles (0.037%); highest among the groups gnomAD compares: South Asian, 0.18%; no homozygotes.

Submission:

CeGaT Center for Human Genetics Tuebingen
Classification: Likely benign. Last evaluated: 2023-04-01. Review status: criteria provided, single submitter. Criteria: CeGaT Center For Human Genetics Tuebingen Variant Classification Criteria Version 2. Collection method: clinical testing. Allele origin: germline. Affected: yes. Observed: 1 variant allele.
Comment: DMRTC2: BP4, BP7